The following is an entry in ClinVar:

NM_004370.6(COL12A1):c.8649+6C>T

Gene: COL12A1 (collagen type XII alpha 1 chain; minus strand). Cytogenetic location: 6q13.
Variant type: single nucleotide variant.
Coding change: c.8649+6C>T on transcript NM_004370.6 (MANE Select); 6 bases into the intron after coding-DNA position 8649, C replaced by T.
Molecular consequence: intron variant.
Genome position (GRCh38, 1-based): chr6:75,095,102, G>A on the plus strand (C>T on the coding strand, the complement: COL12A1 is on the minus strand). VCF-style: chr6-75095102-G-A. GRCh37 (hg19) VCF-style: chr6-75804818-G-A.
Other names: c.5157+6C>T (NM_080645.3).
Identifiers: ClinVar variation 1347111 (VCV001347111.6), dbSNP rs1037107431, ClinGen allele CA568123417.

ClinVar aggregate classification (germline): Uncertain significance (1 of 4 stars; one submission).

Conditions:
Ullrich congenital muscular dystrophy 2 (UCMD2). Identifiers: Orphanet 75840, MedGen C4225314, MONDO:0014654, OMIM 616470.
Bethlem myopathy 2 (BTHLM2). Identifiers: Orphanet 536516, Orphanet 610, MedGen C4225313, MONDO:0034022, OMIM 616471.

Allele frequency attached by ClinVar (database versions not stated): gnomAD exomes below 0.00001.
gnomAD v4.1: 2 of 1,613,542 alleles (0.00012%); highest among the groups gnomAD compares: Admixed American, 0.0033%; no homozygotes.

Submission:

Labcorp Genetics (formerly Invitae), Labcorp
Classification: Uncertain significance for Bethlem myopathy 2; Ullrich congenital muscular dystrophy 2. Last evaluated: 2021-12-08. Review status: criteria provided, single submitter. Criteria: Invitae Variant Classification Sherloc (09022015). Collection method: clinical testing. Allele origin: germline.
Comment: This sequence change falls in intron 60 of the COL12A1 gene. It does not directly change the encoded amino acid sequence of the COL12A1 protein. It affects a nucleotide within the consensus splice site. This variant is present in population databases (no rsID available, gnomAD 0.003%). This variant has not been reported in the literature in individuals affected with COL12A1-related conditions. Variants that disrupt the consensus splice site are a relatively common cause of aberrant splicing (PMID: 17576681, 9536098). Algorithms developed to predict the effect of sequence changes on RNA splicing suggest that this variant is not likely to affect RNA splicing. In summary, the available evidence is currently insufficient to determine the role of this variant in disease. Therefore, it has been classified as a Variant of Uncertain Significance.

Literature cited by the submitters: PubMed 17576681; PubMed 9536098.